The following is an entry in ClinVar:

NM_206933.4(USH2A):c.851A>G (p.Glu284Gly)

Gene: USH2A (usherin; minus strand). Cytogenetic location: 1q41.
Variant type: single nucleotide variant.
Coding change: c.851A>G on transcript NM_206933.4 (MANE Select); coding-DNA position 851, A replaced by G.
Protein change: p.Glu284Gly; replaces glutamic acid 284 with glycine.
Molecular consequence: missense variant.
Genome position (GRCh38, 1-based): chr1:216,325,597, T>C on the plus strand (A>G on the coding strand, the complement: USH2A is on the minus strand). VCF-style: chr1-216325597-T-C. GRCh37 (hg19) VCF-style: chr1-216498939-T-C.
Other names: c.851A>G, p.Glu284Gly (NM_007123.6); short protein forms E284G.
Identifiers: ClinVar variation 801622 (VCV000801622.17), dbSNP rs762869685, ClinGen allele CA1396655.
Genomic context (GRCh38, chr1:216,325,597, plus strand): 5'-CAACGGCAATGTGATTGGGCATGCAATCTGAGAAGATCTCCAGAGAAGACTTCCAGAATC[T>C]CTCTGTGGGAGTCAAGAGGGAGACTGTAAGGACAAAGAGCTTAACAGTAATAGAACTTCT-3'
Protein context (NP_996816.3, residues 274-294): RLYQVALTNR[Glu284Gly]ILEVFSGDLL

ClinVar aggregate classification (germline): Conflicting classifications of pathogenicity. Review status: criteria provided, conflicting classifications (1 of 4 stars). 6 submissions from 6 submitters: Pathogenic (1); Likely pathogenic (4); Uncertain significance (1). Last evaluated 2026-02-02.

Conditions:
Usher syndrome. Also called: Usher's syndrome; Usher Syndromes. Identifiers: Orphanet 886, MedGen CN469326, MeSH D052245, MONDO:0019501. Disease mechanism: loss of function.
USH2A-related disorder. Also called: USH2A-related condition; USH2A-related disorders. Identifiers: MedGen CN239332.
Usher syndrome type 2A. Also called: RETINAL DISEASE IN USHER SYNDROME TYPE IIA, MODIFIER OF; USHER SYNDROME, TYPE IIA. Identifiers: Orphanet 231178, Orphanet 886, MedGen C1848634, MONDO:0010169, OMIM 276901.
Retinitis pigmentosa 39 (RP39). Identifiers: Orphanet 791, MedGen C3151138, MONDO:0013436, OMIM 613809.

Allele frequency attached by ClinVar (database versions not stated): gnomAD exomes below 0.00001; ExAC 0.00001; TOPMed 0.00003.
gnomAD v4.1: 3 of 1,612,804 alleles (0.00019%); highest among the groups gnomAD compares: African/African-American, 0.004%; no homozygotes.

Submissions (6):

Labcorp Genetics (formerly Invitae), Labcorp
Classification: Pathogenic. Last evaluated: 2026-02-02. Review status: criteria provided, single submitter. Criteria: Invitae Variant Classification Sherloc (09022015). Collection method: clinical testing. Allele origin: germline.
Comment: This sequence change replaces glutamic acid, which is acidic and polar, with glycine, which is neutral and non-polar, at codon 284 of the USH2A protein (p.Glu284Gly). This variant is not present in population databases (gnomAD no frequency). This missense change has been observed in individuals with USH2A-related conditions (internal data). ClinVar contains an entry for this variant (Variation ID: 801622). An algorithm developed to predict the effect of missense changes on protein structure and function (PolyPhen-2) suggests that this variant is likely to be disruptive. This variant disrupts the p.Glu284 amino acid residue in USH2A. Other variant(s) that disrupt this residue have been determined to be pathogenic (PMID: 17405132, 33105608). This suggests that this residue is clinically significant, and that variants that disrupt this residue are likely to be disease-causing. For these reasons, this variant has been classified as Pathogenic.

Dasa
Classification: Uncertain significance. Last evaluated: 2025-12-19. Review status: criteria provided, single submitter. Criteria: DASA Assertion Criteria. Collection method: clinical testing. Allele origin: germline.
Comment: NM_206933.4(USH2A):c.851A>G (p.Glu284Gly) is a missense variant that results in the substitution of glutamic acid with glycine. This variant has been reported in individuals with USH2A-related disorders (PMID: 40557873). Also, this variant is rare in population databases. Computational prediction algorithms are consistent with a deleterious effect. The currently available literature and clinical evidence are not sufficient to establish a definitive association between this variant and the reported condition. Therefore, this variant is classified as a variant of uncertain significance.

Women's Health and Genetics/Laboratory Corporation of America, LabCorp
Classification: Likely pathogenic for Usher syndrome. Last evaluated: 2025-07-11. Review status: criteria provided, single submitter. Criteria: LabCorp Variant Classification Summary - May 2015. Collection method: clinical testing. Allele origin: germline.
Comment: Variant summary: USH2A c.851A>G (p.Glu284Gly) results in a non-conservative amino acid change located in the laminin, N-terminal domain (IPR008211) of the encoded protein sequence. Algorithms developed to predict the effect of missense changes on protein structure and function all suggest that this variant is likely to be disruptive. Consensus agreement among computation tools predict no significant impact on normal splicing. However, these predictions have yet to be confirmed by functional studies. The frequency data for this variant in gnomAD is considered unreliable, as metrics indicate poor data quality at this position. c.851A>G has been observed in individuals affected with or with clinical features of Usher Syndrome (Internal data). These data indicate that the variant is likely to be associated with disease. To our knowledge, no experimental evidence demonstrating an impact on protein function has been reported. ClinVar contains an entry for this variant (Variation ID: 801622). Based on the evidence outlined above, the variant was classified as likely pathogenic.

Fulgent Genetics
Classification: Likely pathogenic for Usher syndrome type 2A; Retinitis pigmentosa 39. Last evaluated: 2024-03-22. Review status: criteria provided, single submitter. Criteria: ACMG Guidelines, 2015. Collection method: clinical testing. Allele origin: germline.

Blueprint Genetics
Classification: Likely pathogenic for USH2A-related disorders. Last evaluated: 2021-12-23. Review status: criteria provided, single submitter. Criteria: ACMG Guidelines, 2015. Collection method: clinical testing. Allele origin: germline. Affected: yes. Observed: 5 variant alleles.

Mendelics
Classification: Likely pathogenic for Usher syndrome type 2A. Last evaluated: 2019-05-28. Review status: criteria provided, single submitter. Criteria: Mendelics Assertion Criteria 2017. Collection method: clinical testing. Allele origin: unknown.

Literature cited by the submitters: PubMed 17405132 (cited by Labcorp Genetics (formerly Invitae), Labcorp); PubMed 33105608 (cited by Labcorp Genetics (formerly Invitae), Labcorp); PubMed 40557873 (cited by Dasa).